The following is an entry in ClinVar:

ClinVar aggregate classification (germline): Uncertain significance (1 of 4 stars; one submission).

Conditions:
Cardiovascular phenotype. Identifiers: MedGen CN230736.

Submission:

Ambry Genetics
Classification: Uncertain significance for Cardiovascular phenotype. Last evaluated: 2025-01-10. Review status: criteria provided, single submitter. Criteria: Ambry Variant Classification Scheme 2023. Collection method: clinical testing. Allele origin: germline.
Comment: The p.V841L variant (also known as c.2521G>C), located in coding exon 19 of the RASA1 gene, results from a G to C substitution at nucleotide position 2521. The valine at codon 841 is replaced by leucine, an amino acid with highly similar properties. This amino acid position is conserved. In addition, the in silico prediction for this alteration is inconclusive. Based on the available evidence, the clinical significance of this variant remains unclear.

NM_002890.3(RASA1):c.2521G>C (p.Val841Leu)

Genes: CCNH (cyclin H; minus strand), RASA1 (RAS p21 protein activator 1; plus strand). Cytogenetic location: 5q14.3.
Variant type: single nucleotide variant.
Coding change: c.2521G>C on transcript NM_002890.3 (MANE Select); coding-DNA position 2521, G replaced by C.
Protein change: p.Val841Leu; replaces valine 841 with leucine.
Molecular consequence: missense variant. On other transcripts: intron variant (1).
Genome position (GRCh38, 1-based): chr5:87,379,768, G>C. VCF-style: chr5-87379768-G-C. GRCh37 (hg19) VCF-style: chr5-86675585-G-C.
Other names: c.1990G>C, p.Val664Leu (NM_022650.3); c.933+15276C>G (NM_001364075.2); short protein forms V664L, V841L.
Identifiers: ClinVar variation 3786957 (VCV003786957.1).